The following is an entry in ClinVar:

ClinVar aggregate classification (germline): Conflicting classifications of pathogenicity. Review status: criteria provided, conflicting classifications (1 of 4 stars). 2 submissions from 2 submitters: Uncertain significance (1); Likely benign (1). Last evaluated 2024-09-20.

Conditions:
Congenital myasthenic syndrome 8. Also called: MYASTHENIC SYNDROME, CONGENITAL, DUE TO AGRIN DEFICIENCY; Myasthenic syndrome, congenital, 8, with pre- and postsynaptic defects. Identifiers: Orphanet 590, MedGen C3808739, MONDO:0014052, OMIM 615120.

Allele frequency attached by ClinVar (database versions not stated): 1000 Genomes Project 30x 0.00031; ExAC 0.00028; gnomAD exomes 0.00017.

Submissions (2):

3billion
Classification: Likely benign for Congenital myasthenic syndrome 8. Last evaluated: 2024-09-20. Review status: criteria provided, single submitter. Criteria: ACMG Guidelines, 2015. Collection method: clinical testing. Allele origin: germline. Affected: no.
Comment: The homozygous variant was found in patients diagnosed with another variant in a different gene, with no symptoms related to the gene containing the homozygous variant.

Labcorp Genetics (formerly Invitae), Labcorp
Classification: Uncertain significance for Congenital myasthenic syndrome 8. Last evaluated: 2022-08-15. Review status: criteria provided, single submitter. Criteria: Invitae Variant Classification Sherloc (09022015). Collection method: clinical testing. Allele origin: germline.
Comment: This sequence change replaces threonine, which is neutral and polar, with asparagine, which is neutral and polar, at codon 1354 of the AGRN protein (p.Thr1354Asn). This variant is present in population databases (rs766470739, gnomAD 0.2%). This variant has not been reported in the literature in individuals affected with AGRN-related conditions. ClinVar contains an entry for this variant (Variation ID: 1415122). Algorithms developed to predict the effect of missense changes on protein structure and function are either unavailable or do not agree on the potential impact of this missense change (SIFT: "Deleterious"; PolyPhen-2: "Benign"; Align-GVGD: "Class C0"). In summary, the available evidence is currently insufficient to determine the role of this variant in disease. Therefore, it has been classified as a Variant of Uncertain Significance.

NM_198576.4(AGRN):c.4061C>A (p.Thr1354Asn)

Gene: AGRN (agrin; plus strand). Cytogenetic location: 1p36.33.
Variant type: single nucleotide variant.
Coding change: c.4061C>A on transcript NM_198576.4 (MANE Select); coding-DNA position 4061, C replaced by A.
Protein change: p.Thr1354Asn; replaces threonine 1354 with asparagine.
Molecular consequence: missense variant.
Genome position (GRCh38, 1-based): chr1:1,048,321, C>A. VCF-style: chr1-1048321-C-A. GRCh37 (hg19) VCF-style: chr1-983701-C-A.
Other names: c.4061C>A, p.Thr1354Asn (NM_001305275.2); c.3746C>A, p.Thr1249Asn (NM_001364727.2); short protein forms T1354N, T1249N.
Identifiers: ClinVar variation 1415122 (VCV001415122.6), dbSNP rs766470739, ClinGen allele CA509305.